The following is an entry in ClinVar:

NM_001267550.2(TTN):c.95653G>A (p.Ala31885Thr)

Genes: TTN (titin; minus strand), TTN-AS1 (TTN antisense RNA 1; plus strand). Cytogenetic location: 2q31.2.
Variant type: single nucleotide variant.
Coding change: c.95653G>A on transcript NM_001267550.2 (MANE Select); coding-DNA position 95653, G replaced by A.
Protein change: p.Ala31885Thr; replaces alanine 31885 with threonine.
Molecular consequence: missense variant.
Genome position (GRCh38, 1-based): chr2:178,545,457, C>T on the plus strand (G>A on the coding strand, the complement: TTN is on the minus strand). VCF-style: chr2-178545457-C-T. GRCh37 (hg19) VCF-style: chr2-179410184-C-T.
Other names: p.A29317T:GCA>ACA; c.90730G>A, p.Ala30244Thr (NM_001256850.1); c.68458G>A, p.Ala22820Thr (NM_003319.4); c.87949G>A, p.Ala29317Thr (NM_133378.4); c.68833G>A, p.Ala22945Thr (NM_133432.3); c.69034G>A, p.Ala23012Thr (NM_133437.4); short protein forms A31885T, A29317T, A30244T, A22820T, A23012T, A22945T.
Identifiers: ClinVar variation 47561 (VCV000047561.87), dbSNP rs72648263, ClinGen allele CA141349.

ClinVar aggregate classification (germline): Conflicting classifications of pathogenicity. Review status: criteria provided, conflicting classifications (1 of 4 stars). 25 submissions from 21 submitters: Uncertain significance (6); Benign (3); Likely benign (10). 6 of the submissions do not count toward it. Last evaluated 2026-08-01.

Conditions:
TTN-related disorder. Also called: TTN-related disorders; TTN-related condition; TTN-related disease.
Ventricular fibrillation. Identifiers: MedGen C0042510, MONDO:0000190, HP:0001663.
Cardiovascular phenotype. Identifiers: MedGen CN230736.
Autosomal recessive limb-girdle muscular dystrophy type 2J (LGMDR10). Also called: MUSCULAR DYSTROPHY, LIMB-GIRDLE, AUTOSOMAL RECESSIVE 10; Limb-girdle muscular dystrophy, type 2J. Identifiers: Orphanet 140922, MedGen C1837342, MONDO:0012127, OMIM 608807.
Dilated cardiomyopathy 1G (CMD1G). Identifiers: Orphanet 154, MedGen C1858763, MONDO:0011400, OMIM 604145.
Cardiomyopathy (CMYO). Also called: Cardiomyopathies. Identifiers: Orphanet 167848, MedGen C0878544, MONDO:0004994, HP:0001638. Inheritance: Various modes of inheritance.
Early-onset myopathy with fatal cardiomyopathy (CMYO5). Also called: CONGENITAL MYOPATHY 5 WITH CARDIOMYOPATHY; Salih Myopathy. Identifiers: Orphanet 289377, MedGen C2673677, MONDO:0012714, OMIM 611705. Disease mechanism: loss of function.
Myopathy, myofibrillar, 9, with early respiratory failure (MFM9). Also called: Myopathy, distal, with early respiratory failure, autosomal dominant; Hereditary myopathy with early respiratory failure; EDSTROM MYOPATHY; MYOPATHY, PROXIMAL, WITH EARLY RESPIRATORY MUSCLE INVOLVEMENT. Identifiers: Orphanet 178464, Orphanet 34521, MedGen C1863599, MONDO:0011362, OMIM 603689.
Tibial muscular dystrophy (TMD). Also called: Tibial muscular dystrophy, tardive; Udd Distal Myopathy – Tibial Muscular Dystrophy; UDD MYOPATHY. Identifiers: Orphanet 609, MedGen C1838244, MONDO:0010870, OMIM 600334.

Allele frequency attached by ClinVar (database versions not stated): ExAC 0.00064; TOPMed 0.00071; ESP Exome Variant Server 0.00081; gnomAD 0.00070.
gnomAD v4.1: 1,616 of 1,611,290 alleles (0.1%); highest among the groups gnomAD compares: Non-Finnish European, 0.12%; 3 homozygotes.

Submissions (25):

CeGaT Center for Human Genetics Tuebingen
Classification: Likely benign. Last evaluated: 2026-08-01. Review status: criteria provided, single submitter. Criteria: CeGaT Center For Human Genetics Tuebingen Variant Classification Criteria Version 2. Collection method: clinical testing. Allele origin: germline. Affected: yes. Observed: 7 variant alleles.
Comment: TTN: PP3, BS1

Labcorp Genetics (formerly Invitae), Labcorp
Classification: Likely benign for Dilated cardiomyopathy 1G; Autosomal recessive limb-girdle muscular dystrophy type 2J. Last evaluated: 2026-02-02. Review status: criteria provided, single submitter. Criteria: Invitae Variant Classification Sherloc (09022015). Collection method: clinical testing. Allele origin: germline.

Molecular Diagnostic Laboratory for Inherited Cardiovascular Disease, Montreal Heart Institute
Classification: Likely benign. Last evaluated: 2025-04-09. Review status: criteria provided, single submitter. Criteria: ACMG Guidelines, 2015. Collection method: clinical testing. Allele origin: germline. Affected: no.

Laboratory of Genetics, Children's Clinical University Hospital Latvia
Classification: Likely benign. Last evaluated: 2025-02-16. Review status: criteria provided, single submitter. Criteria: ACMG Guidelines, 2015. Collection method: clinical testing. Allele origin: germline. Affected: yes.

Blueprint Genetics
Classification: Likely benign. Last evaluated: 2024-11-25. Review status: criteria provided, single submitter. Criteria: ACMG Guidelines, 2015. Collection method: clinical testing. Allele origin: germline.

Women's Health and Genetics/Laboratory Corporation of America, LabCorp
Classification: Likely benign. Last evaluated: 2022-02-28. Review status: criteria provided, single submitter. Criteria: LabCorp Variant Classification Summary - May 2015. Collection method: clinical testing. Allele origin: germline.
Comment: Variant summary: TTN c.87949G>A (p.Ala29317Thr) results in a non-conservative amino acid change located in the A-band of the encoded protein sequence. Four of four in-silico tools predict a damaging effect of the variant on protein function. The variant allele was found at a frequency of 0.00069 in 247500 control chromosomes, predominantly at a frequency of 0.00098 within the Non-Finnish European subpopulation in the gnomAD database. The observed variant frequency within Non-Finnish European control individuals in the gnomAD database is approximately 3 fold of the estimated maximal expected allele frequency for a pathogenic variant in TTN causing Dilated Cardiomyopathy phenotype (0.00039), strongly suggesting that the variant is a benign polymorphism found primarily in populations of Non-Finnish European origin. To our knowledge, no occurrence of c.87949G>A in individuals affected with Dilated Cardiomyopathy and no experimental evidence demonstrating its impact on protein function have been reported. Eleven clinical diagnostic laboratories have submitted clinical-significance assessments for this variant to ClinVar after 2014 without evidence for independent evaluation. Multiple laboratories reported the variant with conflicting assessments (Benign/likely benign n=6, VUS n=5). Based on the evidence outlined above, the variant was classified as benign.

Athena Diagnostics
Classification: Benign. Last evaluated: 2021-02-17. Review status: criteria provided, single submitter. Criteria: Athena Diagnostics criteria. Collection method: clinical testing. Allele origin: unknown.

GeneDx
Classification: Likely benign. Last evaluated: 2020-12-17. Review status: criteria provided, single submitter. Criteria: GeneDx Variant Classification Process June 2021. Collection method: clinical testing. Allele origin: germline. Affected: yes.
Comment: This variant is associated with the following publications: (PMID: 23861362, 25163546, 28490364)

Center for Advanced Laboratory Medicine, UC San Diego Health, University of California San Diego
Classification: Likely benign for Ventricular fibrillation. Last evaluated: 2018-10-02. Review status: criteria provided, single submitter. Criteria: ACMG Guidelines, 2015. Collection method: clinical testing. Allele origin: germline. Affected: yes. Observed: 2 variant alleles.

Ambry Genetics
Classification: Likely benign for Cardiovascular phenotype. Last evaluated: 2018-02-22. Review status: criteria provided, single submitter. Criteria: Ambry Variant Classification Scheme 2023. Collection method: clinical testing. Allele origin: germline.

Illumina Laboratory Services, Illumina
Classification: Benign for Myopathy, myofibrillar, 9, with early respiratory failure. Last evaluated: 2018-01-12. Review status: criteria provided, single submitter. Criteria: ICSL Variant Classification Criteria 13 December 2019. Collection method: clinical testing. Allele origin: germline.
Comment: This variant was observed in the ICSL laboratory as part of a predisposition screen in an ostensibly healthy population. It had not been previously curated by ICSL or reported in the Human Gene Mutation Database (HGMD: prior to June 1st, 2018), and was therefore a candidate for classification through an automated scoring system. Utilizing variant allele frequency, disease prevalence and penetrance estimates, and inheritance mode, an automated score was calculated to assess if this variant is too frequent to cause the disease. Based on the score and internal cut-off values, a variant classified as benign is not then subjected to further curation. The score for this variant resulted in a classification of benign for this disease.

Illumina Laboratory Services, Illumina
Classification: Benign for Tibial muscular dystrophy. Last evaluated: 2018-01-12. Review status: criteria provided, single submitter. Criteria: ICSL Variant Classification Criteria 13 December 2019. Collection method: clinical testing. Allele origin: germline.
Comment: the same text as in the submission from Illumina Laboratory Services, Illumina above.

Illumina Laboratory Services, Illumina
Classification: Uncertain significance for Early-onset myopathy with fatal cardiomyopathy. Last evaluated: 2018-01-12. Review status: criteria provided, single submitter. Criteria: ICSL Variant Classification Criteria 13 December 2019. Collection method: clinical testing. Allele origin: germline.

Illumina Laboratory Services, Illumina
Classification: Uncertain significance for Autosomal recessive limb-girdle muscular dystrophy type 2J. Last evaluated: 2018-01-12. Review status: criteria provided, single submitter. Criteria: ICSL Variant Classification Criteria 13 December 2019. Collection method: clinical testing. Allele origin: germline.

Illumina Laboratory Services, Illumina
Classification: Uncertain significance for Dilated cardiomyopathy 1G. Last evaluated: 2018-01-12. Review status: criteria provided, single submitter. Criteria: ICSL Variant Classification Criteria 13 December 2019. Collection method: clinical testing. Allele origin: germline.

CHEO Genetics Diagnostic Laboratory, Children's Hospital of Eastern Ontario
Classification: Uncertain significance for Cardiomyopathy. Last evaluated: 2017-06-29. Review status: criteria provided, single submitter. Criteria: ACMG Guidelines, 2015. Collection method: clinical testing. Allele origin: germline. Study: Canadian Open Genetics Repository.

Eurofins Ntd Llc (ga)
Classification: Uncertain significance. Last evaluated: 2015-08-18. Review status: criteria provided, single submitter. Criteria: EGL Classification Definitions 2015. Collection method: clinical testing. Allele origin: germline. Observed: 4 variant alleles, 4 heterozygotes.

Laboratory for Molecular Medicine, Mass General Brigham Personalized Medicine
Classification: Uncertain significance. Last evaluated: 2015-06-26. Review status: criteria provided, single submitter. Criteria: LMM Criteria. Collection method: clinical testing. Allele origin: germline. Observed: 7 variant alleles.
Comment: This variant has also been identified in 0.1% (74/6 6424) of European chromosomes by the Exome Aggregation Consortium (ExAC; dbSNP rs72648263). Computational prediction tools and c onservation analysis do not provide strong support for or against an impact to t he protein. In summary, the clinical significance of the p.Ala29317Thr variant i s uncertain.

Biesecker Lab/Clinical Genomics Section, National Institutes of Health
Classification: Likely benign. Last evaluated: 2013-06-24. Review status: criteria provided, single submitter. Criteria: Ng et al. (Circ Cardiovasc Genet. 2013). Collection method: research. Allele origin: unknown. Observed: 1 variant allele. Study: ClinSeq.
Comment: The study set was not selected for affection status in relation to any cancer. Pathogenicity categories were based on literature curation. See Pubmed ID:23861362 for details.

Medical sequencing

PreventionGenetics, part of Exact Sciences
Classification: Likely benign for TTN-related condition. Last evaluated: 2020-06-10. Review status: no assertion criteria provided. Collection method: clinical testing. Allele origin: germline. Not counted in ClinVar's aggregate classification.
Comment: This variant is classified as likely benign based on ACMG/AMP sequence variant interpretation guidelines (Richards et al. 2015 PMID: 25741868, with internal and published modifications).

Clinical Genetics DNA and cytogenetics Diagnostics Lab, Erasmus MC, Erasmus Medical Center
Classification: Likely benign. Review status: no assertion criteria provided. Collection method: clinical testing. Allele origin: germline. Affected: yes. Study: VKGL Data-share Consensus. Not counted in ClinVar's aggregate classification.

Clinical Genetics, Academic Medical Center
Classification: Benign. Review status: no assertion criteria provided. Collection method: clinical testing. Allele origin: germline. Affected: yes. Study: VKGL Data-share Consensus. Not counted in ClinVar's aggregate classification.

Diagnostic Laboratory, Department of Genetics, University Medical Center Groningen
Classification: Likely benign. Review status: no assertion criteria provided. Collection method: clinical testing. Allele origin: germline. Affected: yes. Study: VKGL Data-share Consensus. Not counted in ClinVar's aggregate classification.

Genome Diagnostics Laboratory, University Medical Center Utrecht
Classification: Likely benign. Review status: no assertion criteria provided. Collection method: clinical testing. Allele origin: germline. Affected: yes. Study: VKGL Data-share Consensus. Not counted in ClinVar's aggregate classification.

Joint Genome Diagnostic Labs from Nijmegen and Maastricht, Radboudumc and MUMC+
Classification: Likely benign. Review status: no assertion criteria provided. Collection method: clinical testing. Allele origin: germline. Affected: yes. Study: VKGL Data-share Consensus. Not counted in ClinVar's aggregate classification.

Literature cited by the submitters: PubMed 25163546 (cited by Athena Diagnostics).